The following is an entry in ClinVar:

NM_019026.6(TMCO1):c.-34C>G

Gene: TMCO1 (transmembrane and coiled-coil domains 1; minus strand). Cytogenetic location: 1q24.1.
Variant type: single nucleotide variant.
Coding change: c.-34C>G on transcript NM_019026.6 (MANE Select); 34 bases upstream of the start codon, C replaced by G.
Molecular consequence: 5 prime UTR variant. On other transcripts: synonymous variant (1), non-coding transcript variant (1).
Genome position (GRCh38, 1-based): chr1:165,768,785, G>C on the plus strand (C>G on the coding strand, the complement: TMCO1 is on the minus strand). VCF-style: chr1-165768785-G-C. GRCh37 (hg19) VCF-style: chr1-165738022-G-C.
Other names: c.120C>G, p.Pro40= (NM_001256164.1); c.-270C>G (NM_001256165.1).
Identifiers: ClinVar variation 3389661 (VCV003389661.14).

ClinVar aggregate classification (germline): Likely benign (1 of 4 stars; one submission).

gnomAD v4.1: 68 of 1,613,898 alleles (0.0042%); highest among the groups gnomAD compares: East Asian, 0.15%; no homozygotes.

Submission:

CeGaT Center for Human Genetics Tuebingen
Classification: Likely benign. Last evaluated: 2024-09-01. Review status: criteria provided, single submitter. Criteria: CeGaT Center For Human Genetics Tuebingen Variant Classification Criteria Version 2. Collection method: clinical testing. Allele origin: germline. Affected: yes. Observed: 1 variant allele.
Comment: TMCO1: BP4, BP7